The following is an entry in ClinVar:

NC_012920.1(MT-ND5):m.13934C>T

Gene: MT-ND5 (mitochondrially encoded NADH dehydrogenase 5; plus strand).
Variant type: single nucleotide variant.
Genome position: chrM-13934-C-T.
Identifiers: ClinVar variation 693638 (VCV000693638.2), dbSNP rs193302971, ClinGen allele CA337099863.

ClinVar aggregate classification (germline): Benign/Likely benign. Review status: criteria provided, multiple submitters, no conflicts (2 of 4 stars). 2 submissions from 2 submitters: Benign (1); Likely benign (1). Last evaluated 2025-02-16.

Conditions:
Leigh syndrome (NULS). Also called: Leigh's necrotizing encephalopathy; Leigh's disease; Leigh's syndrome; LEIGH SYNDROME, NUCLEAR; Leigh Syndrome (mtDNA deletion); Leigh Disease. Identifiers: Orphanet 506, MedGen C2931891, MONDO:0009723, OMIM 256000.

Submissions (2):

Laboratory of Genetics, Children's Clinical University Hospital Latvia
Classification: Likely benign. Last evaluated: 2025-02-16. Review status: criteria provided, single submitter. Criteria: ACMG Guidelines, 2015. Collection method: clinical testing. Allele origin: germline. Affected: yes.

Wong Mito Lab, Molecular and Human Genetics, Baylor College of Medicine
Classification: Benign for Leigh syndrome. Last evaluated: 2019-10-17. Review status: criteria provided, single submitter. Criteria: Modified ACMG Guidelines (Unpublished). Collection method: clinical testing. Allele origin: germline.
Comment: The NC_012920.1:m.13934C>T (YP_003024036.1:p.Thr533Met) variant in MTND5 gene is interpretated to be a Benign variant based on the modified ACMG guidelines (unpublished). This variant meets the following evidence codes: BA1